The following is an entry in ClinVar:

ClinVar aggregate classification (germline): Uncertain significance. Review status: criteria provided, multiple submitters, no conflicts (2 of 4 stars). 2 submissions from 2 submitters: Uncertain significance (2). Last evaluated 2024-07-31.

Conditions:
Hereditary cancer-predisposing syndrome. Also called: Neoplastic Syndromes, Hereditary; Hereditary Cancer Syndrome; Tumor predisposition; Hereditary neoplastic syndrome. Identifiers: Orphanet 140162, MedGen C0027672, MeSH D009386, MONDO:0015356.
Ataxia-telangiectasia syndrome (AT). Also called: LOUIS-BAR SYNDROME; ATAXIA-TELANGIECTASIA, COMPLEMENTATION GROUP A; Ataxia-telangiectasia, complementation group D; AT, COMPLEMENTATION GROUP C; Ataxia-telangiectasia, complementation group E; Ataxia-telangiectasia. Identifiers: Orphanet 100, MedGen C0004135, MONDO:0008840, OMIM 208900.

Submissions (2):

Labcorp Genetics (formerly Invitae), Labcorp
Classification: Uncertain significance for Ataxia-telangiectasia syndrome. Last evaluated: 2024-07-31. Review status: criteria provided, single submitter. Criteria: Invitae Variant Classification Sherloc (09022015). Collection method: clinical testing. Allele origin: germline.
Comment: This sequence change replaces proline, which is neutral and non-polar, with arginine, which is basic and polar, at codon 1166 of the ATM protein (p.Pro1166Arg). This variant is not present in population databases (gnomAD no frequency). This variant has not been reported in the literature in individuals affected with ATM-related conditions. ClinVar contains an entry for this variant (Variation ID: 2568162). An algorithm developed to predict the effect of missense changes on protein structure and function (PolyPhen-2) suggests that this variant is likely to be disruptive. In summary, the available evidence is currently insufficient to determine the role of this variant in disease. Therefore, it has been classified as a Variant of Uncertain Significance.

Ambry Genetics
Classification: Uncertain significance for Hereditary cancer-predisposing syndrome. Last evaluated: 2023-03-23. Review status: criteria provided, single submitter. Criteria: Ambry Variant Classification Scheme 2023. Collection method: clinical testing. Allele origin: germline.
Comment: The p.P1166R variant (also known as c.3497C>G), located in coding exon 23 of the ATM gene, results from a C to G substitution at nucleotide position 3497. The proline at codon 1166 is replaced by arginine, an amino acid with dissimilar properties. This amino acid position is conserved. In addition, this alteration is predicted to be deleterious by in silico analysis. Since supporting evidence is limited at this time, the clinical significance of this alteration remains unclear.

NM_000051.4(ATM):c.3497C>G (p.Pro1166Arg)

Gene: ATM (ATM serine/threonine kinase; plus strand). Cytogenetic location: 11q22.3.
Variant type: single nucleotide variant.
Coding change: c.3497C>G on transcript NM_000051.4 (MANE Select); coding-DNA position 3497, C replaced by G.
Protein change: p.Pro1166Arg; replaces proline 1166 with arginine.
Molecular consequence: missense variant.
Genome position (GRCh38, 1-based): chr11:108,281,089, C>G. VCF-style: chr11-108281089-C-G. GRCh37 (hg19) VCF-style: chr11-108151816-C-G.
Other names: c.3497C>G, p.Pro1166Arg (NM_001351834.2); short protein forms P1166R.
Identifiers: ClinVar variation 2568162 (VCV002568162.4), dbSNP rs2135668161, ClinGen allele CA382519734.